The following is an entry in ClinVar:

NM_012281.3(KCND2):c.1281A>G (p.Lys427=)

Gene: KCND2 (potassium voltage-gated channel subfamily D member 2; plus strand). Cytogenetic location: 7q31.31.
Variant type: single nucleotide variant.
Coding change: c.1281A>G on transcript NM_012281.3 (MANE Select); coding-DNA position 1281, A replaced by G.
Protein change: p.Lys427=; no amino-acid change (lysine 427 retained).
Molecular consequence: synonymous variant.
Genome position (GRCh38, 1-based): chr7:120,741,536, A>G. VCF-style: chr7-120741536-A-G. GRCh37 (hg19) VCF-style: chr7-120381590-A-G.
Identifiers: ClinVar variation 2035182 (VCV002035182.4), dbSNP rs2485206966, ClinGen allele CA457393414.

ClinVar aggregate classification (germline): Uncertain significance (1 of 4 stars; one submission).

Conditions:
Early Myoclonic Encephalopathy. Identifiers: MedGen C0270855.

Submission:

Labcorp Genetics (formerly Invitae), Labcorp
Classification: Uncertain significance for Early Myoclonic Encephalopathy. Last evaluated: 2022-10-11. Review status: criteria provided, single submitter. Criteria: Invitae Variant Classification Sherloc (09022015). Collection method: clinical testing. Allele origin: germline.
Comment: In summary, the available evidence is currently insufficient to determine the role of this variant in disease. Therefore, it has been classified as a Variant of Uncertain Significance. Algorithms developed to predict the effect of sequence changes on RNA splicing suggest that this variant may create or strengthen a splice site. This variant has not been reported in the literature in individuals affected with KCND2-related conditions. This variant is not present in population databases (gnomAD no frequency). This sequence change affects codon 427 of the KCND2 mRNA. It is a 'silent' change, meaning that it does not change the encoded amino acid sequence of the KCND2 protein.